The following is an entry in ClinVar:

NM_000209.4(PDX1):c.641C>G (p.Ala214Gly)

Gene: PDX1 (pancreatic and duodenal homeobox 1; plus strand). Cytogenetic location: 13q12.2.
Variant type: single nucleotide variant.
Coding change: c.641C>G on transcript NM_000209.4 (MANE Select); coding-DNA position 641, C replaced by G.
Protein change: p.Ala214Gly; replaces alanine 214 with glycine.
Molecular consequence: missense variant.
Genome position (GRCh38, 1-based): chr13:27,924,490, C>G. VCF-style: chr13-27924490-C-G. GRCh37 (hg19) VCF-style: chr13-28498627-C-G.
Other names: short protein forms A214G.
Identifiers: ClinVar variation 3665569 (VCV003665569.2).

ClinVar aggregate classification (germline): Uncertain significance (1 of 4 stars; one submission).

Submission:

Labcorp Genetics (formerly Invitae), Labcorp
Classification: Uncertain significance. Last evaluated: 2024-10-06. Review status: criteria provided, single submitter. Criteria: Invitae Variant Classification Sherloc (09022015). Collection method: clinical testing. Allele origin: germline.
Comment: This sequence change replaces alanine, which is neutral and non-polar, with glycine, which is neutral and non-polar, at codon 214 of the PDX1 protein (p.Ala214Gly). This variant is not present in population databases (gnomAD no frequency). This variant has not been reported in the literature in individuals affected with PDX1-related conditions. Invitae Evidence Modeling of protein sequence and biophysical properties (such as structural, functional, and spatial information, amino acid conservation, physicochemical variation, residue mobility, and thermodynamic stability) indicates that this missense variant is not expected to disrupt PDX1 protein function with a negative predictive value of 80%. In summary, the available evidence is currently insufficient to determine the role of this variant in disease. Therefore, it has been classified as a Variant of Uncertain Significance.